The following is an entry in ClinVar:

NM_033419.5(PGAP3):c.611T>G (p.Leu204Arg)

Gene: PGAP3 (post-GPI attachment to proteins phospholipase 3; minus strand). Cytogenetic location: 17q12.
Variant type: single nucleotide variant.
Coding change: c.611T>G on transcript NM_033419.5 (MANE Select); coding-DNA position 611, T replaced by G.
Protein change: p.Leu204Arg; replaces leucine 204 with arginine.
Molecular consequence: missense variant. On other transcripts: intron variant (3).
Genome position (GRCh38, 1-based): chr17:39,673,597, A>C on the plus strand (T>G on the coding strand, the complement: PGAP3 is on the minus strand). VCF-style: chr17-39673597-A-C. GRCh37 (hg19) VCF-style: chr17-37829850-A-C.
Other names: c.458T>G, p.Leu153Arg (NM_001291726.2); c.548T>G, p.Leu183Arg (NM_001291728.2); c.433-731T>G (NM_001291733.2); c.494+396T>G (NM_001291732.2); c.557+396T>G (NM_001291730.2); short protein forms L153R, L183R, L204R.
Identifiers: ClinVar variation 4747021 (VCV004747021.1).

ClinVar aggregate classification (germline): Uncertain significance (1 of 4 stars; one submission).

Submission:

Labcorp Genetics (formerly Invitae), Labcorp
Classification: Uncertain significance. Last evaluated: 2025-10-01. Review status: criteria provided, single submitter. Criteria: Invitae Variant Classification Sherloc (09022015). Collection method: clinical testing. Allele origin: germline.
Comment: This sequence change replaces leucine, which is neutral and non-polar, with arginine, which is basic and polar, at codon 204 of the PGAP3 protein (p.Leu204Arg). This variant is not present in population databases (gnomAD no frequency). This variant has not been reported in the literature in individuals affected with PGAP3-related conditions. Invitae Evidence Modeling of protein sequence and biophysical properties (such as structural, functional, and spatial information, amino acid conservation, physicochemical variation, residue mobility, and thermodynamic stability) has been performed for this missense variant. However, the output from this modeling did not meet the statistical confidence thresholds required to predict the impact of this variant on PGAP3 protein function. In summary, the available evidence is currently insufficient to determine the role of this variant in disease. Therefore, it has been classified as a Variant of Uncertain Significance.